The following is an entry in ClinVar:

ClinVar aggregate classification (germline): Likely benign. Review status: criteria provided, single submitter (1 of 4 stars). 2 submissions from 2 submitters: Likely benign (1). 1 of the submissions does not count toward it. Last evaluated 2023-07-14.

Conditions:
Poirier-Bienvenu neurodevelopmental syndrome (POBINDS). Identifiers: Orphanet 689397, MedGen C5231482, MONDO:0032889, OMIM 618732.

Submissions (2):

Blueprint Genetics
Classification: Likely benign. Last evaluated: 2023-07-14. Review status: criteria provided, single submitter. Criteria: ACMG Guidelines, 2015. Collection method: clinical testing. Allele origin: germline.

Department of Neurology, Children's Hospital of Nanjing Medical University
Classification: Likely pathogenic for Poirier-Bienvenu neurodevelopmental syndrome. Last evaluated: 2024-08-15. Review status: no assertion criteria provided. Collection method: clinical testing. Allele origin: de novo. Inheritance: Sporadic. Affected: yes. Observed: 1 variant allele, 1 heterozygote. Not counted in ClinVar's aggregate classification.
Comment: This variant has not been documented in general population frequency databases such as 1000 Genomes, gnomAD, etc., indicating that it is an extremely rare variant. Additionally, three other patients with similar phenotypes who are heterozygous carriers of this variant have been recorded in our local database, among whom two carry the variant de novo and one patient's mother is a mosaic carrier of the variant, suggesting the potential pathogenicity of this variant.

Literature cited by the submitters: DOI 10.3760/cma.j.cn101070-20231218-00431 (cited by Department of Neurology, Children's Hospital of Nanjing Medical University).

NM_001320.7(CSNK2B):c.609C>T (p.Ala203=)

Gene: CSNK2B (casein kinase 2 beta; plus strand). Cytogenetic location: 6p21.33.
Variant type: single nucleotide variant.
Coding change: c.609C>T on transcript NM_001320.7 (MANE Select); coding-DNA position 609, C replaced by T.
Protein change: p.Ala203=; no amino-acid change (alanine 203 retained).
Molecular consequence: synonymous variant.
Genome position (GRCh38, 1-based): chr6:31,669,887, C>T. VCF-style: chr6-31669887-C-T. GRCh37 (hg19) VCF-style: chr6-31637664-C-T.
Other names: c.600C>T, p.Ala200= (NM_001282385.2).
Identifiers: ClinVar variation 4876233 (VCV004876233.2).